The following is an entry in ClinVar:

NM_001291415.2(KDM6A):c.3697T>C (p.Cys1233Arg)

Gene: KDM6A (lysine demethylase 6A; plus strand). Cytogenetic location: Xp11.3.
Variant type: single nucleotide variant.
Coding change: c.3697T>C on transcript NM_001291415.2 (MANE Select); coding-DNA position 3697, T replaced by C.
Protein change: p.Cys1233Arg; replaces cysteine 1233 with arginine.
Molecular consequence: missense variant. On other transcripts: non-coding transcript variant (1).
Genome position (GRCh38, 1-based): chrX:45,085,972, T>C. VCF-style: chrX-45085972-T-C. GRCh37 (hg19) VCF-style: chrX-44945217-T-C.
Other names: c.3562T>C, p.Cys1188Arg (NM_001291416.2); c.3406T>C, p.Cys1136Arg (NM_001291417.2); c.3304T>C, p.Cys1102Arg (NM_001291418.2); c.2653T>C, p.Cys885Arg (NM_001291421.2); c.3439T>C, p.Cys1147Arg (NM_001410742.1); c.3541T>C, p.Cys1181Arg (NM_021140.4); short protein forms C1102R, C1136R, C1147R, C1181R, C1188R, C1233R, C885R.
Identifiers: ClinVar variation 1711708 (VCV001711708.30), dbSNP rs2523283034, ClinGen allele CA412805303.

ClinVar aggregate classification (germline): Likely pathogenic (1 of 4 stars; one submission).

Submission:

CeGaT Center for Human Genetics Tuebingen
Classification: Likely pathogenic. Last evaluated: 2022-08-01. Review status: criteria provided, single submitter. Criteria: CeGaT Center For Human Genetics Tuebingen Variant Classification Criteria Version 2. Collection method: clinical testing. Allele origin: germline. Affected: yes. Observed: 1 variant allele.
Comment: KDM6A: PS2, PM2, PP3